The following is an entry in ClinVar:

ClinVar aggregate classification (germline): Uncertain significance (1 of 4 stars; one submission).

Conditions:
Nemaline myopathy 2 (NEM2). Also called: Nemaline myopathy 2, autosomal recessive. Identifiers: MedGen C1850569, MONDO:0009725, OMIM 256030.

gnomAD v4.1: 4 of 1,613,850 alleles (0.00025%); no homozygotes.

Submission:

Labcorp Genetics (formerly Invitae), Labcorp
Classification: Uncertain significance for Nemaline myopathy 2. Last evaluated: 2022-05-11. Review status: criteria provided, single submitter. Criteria: Invitae Variant Classification Sherloc (09022015). Collection method: clinical testing. Allele origin: germline.
Comment: This sequence change replaces glutamine, which is neutral and polar, with arginine, which is basic and polar, at codon 795 of the NEB protein (p.Gln795Arg). This variant is not present in population databases (gnomAD no frequency). This variant has not been reported in the literature in individuals affected with NEB-related conditions. Algorithms developed to predict the effect of missense changes on protein structure and function are either unavailable or do not agree on the potential impact of this missense change (SIFT: "Deleterious"; PolyPhen-2: "Not Available"; Align-GVGD: "Class C0"). In summary, the available evidence is currently insufficient to determine the role of this variant in disease. Therefore, it has been classified as a Variant of Uncertain Significance.

NM_001164508.2(NEB):c.2384A>G (p.Gln795Arg)

Gene: NEB (nebulin; minus strand). Cytogenetic location: 2q23.3.
Variant type: single nucleotide variant.
Coding change: c.2384A>G on transcript NM_001164508.2 (MANE Select); coding-DNA position 2384, A replaced by G.
Protein change: p.Gln795Arg; replaces glutamine 795 with arginine.
Molecular consequence: missense variant.
Genome position (GRCh38, 1-based): chr2:151,688,323, T>C on the plus strand (A>G on the coding strand, the complement: NEB is on the minus strand). VCF-style: chr2-151688323-T-C. GRCh37 (hg19) VCF-style: chr2-152544837-T-C.
Other names: c.2384A>G, p.Gln795Arg (NM_001164507.2, NM_001271208.2, NM_004543.5); short protein forms Q795R.
Identifiers: ClinVar variation 2201594 (VCV002201594.1), dbSNP rs2099519051, ClinGen allele CA348823117.